The following is an entry in ClinVar:

NM_000089.4(COL1A2):c.1036-1G>T

Gene: COL1A2 (collagen type I alpha 2 chain; plus strand). Cytogenetic location: 7q21.3.
Variant type: single nucleotide variant.
Coding change: c.1036-1G>T on transcript NM_000089.4 (MANE Select); the canonical splice acceptor site of the intron before coding-DNA position 1036, G replaced by T.
Molecular consequence: splice acceptor variant.
Genome position (GRCh38, 1-based): chr7:94,410,241, G>T. VCF-style: chr7-94410241-G-T. GRCh37 (hg19) VCF-style: chr7-94039553-G-T.
Identifiers: ClinVar variation 2943286 (VCV002943286.3), dbSNP rs72656400, ClinGen allele CA368221017.
Genomic context (GRCh38, chr7:94,410,241, plus strand): 5'-GTCTGCAAGAGAGTTTCAACAAATGTTTGTCCTTTGACCACTGTTCTGTATTGAACCCTA[G>T]GGTGAGCCTGGTCCAGCTGGCTCCAAAGGAGAGAGCGGTAACAAGGGTGAGCCCGTAAGT-3'

ClinVar aggregate classification (germline): Pathogenic (1 of 4 stars; one submission).

Conditions:
Osteogenesis imperfecta type I (OI1). Also called: Lobstein disease; OI, TYPE I; OSTEOGENESIS IMPERFECTA TARDA; OSTEOGENESIS IMPERFECTA WITH BLUE SCLERAE; Osteogenesis imperfecta type 1; Lobstein's Disease. Identifiers: Orphanet 216796, Orphanet 666, MedGen C0023931, MONDO:0008146, OMIM 166200. Disease mechanism: loss of function.
Ehlers-Danlos syndrome, classic type, 1 (EDSCL1). Also called: EDS I; EHLERS-DANLOS SYNDROME, GRAVIS TYPE; EHLERS-DANLOS SYNDROME, SEVERE CLASSIC TYPE; Ehlers-Danlos syndrome, type 1; Ehlers-Danlos Syndrome, Classic Type, COL5A1-Related. Identifiers: MedGen C0268335, MONDO:0019567, OMIM 130000.

Submission:

Labcorp Genetics (formerly Invitae), Labcorp
Classification: Pathogenic for Osteogenesis imperfecta type I; Ehlers-Danlos syndrome, classic type, 1. Last evaluated: 2023-03-08. Review status: criteria provided, single submitter. Criteria: Invitae Variant Classification Sherloc (09022015). Collection method: clinical testing. Allele origin: germline.
Comment: Disruption of this splice site has been observed in individual(s) with autosomal dominant osteogenesis imperfecta (PMID: 8005592, 30886339; Invitae). It has also been observed to segregate with disease in related individuals. This sequence change affects an acceptor splice site in intron 19 of the COL1A2 gene. RNA analysis indicates that disruption of this splice site induces altered splicing and likely results in a shortened protein product. This variant is not present in population databases (gnomAD no frequency). This variant is also known as C instead of a G at the last nucleotide (+419) of intron 19 . Studies have shown that disruption of this splice site alters COL1A2 gene expression (PMID: 8005592). Studies have shown that disruption of this splice site results in skipping of exon 20 , but is expected to preserve the integrity of the reading-frame (PMID: 8005592). For these reasons, this variant has been classified as Pathogenic.

Literature cited by the submitters: PubMed 8005592; PubMed 30886339.